The following is an entry in ClinVar:

NM_004006.3(DMD):c.1809G>A (p.Leu603=)

Gene: DMD (dystrophin; minus strand). Cytogenetic location: Xp21.1.
Variant type: single nucleotide variant.
Coding change: c.1809G>A on transcript NM_004006.3 (MANE Select); coding-DNA position 1809, G replaced by A.
Protein change: p.Leu603=; no amino-acid change (leucine 603 retained).
Molecular consequence: synonymous variant.
Genome position (GRCh38, 1-based): chrX:32,573,533, C>T on the plus strand (G>A on the coding strand, the complement: DMD is on the minus strand). VCF-style: chrX-32573533-C-T. GRCh37 (hg19) VCF-style: chrX-32591650-C-T.
Other names: c.1785G>A, p.Leu595= (NM_000109.4); c.1797G>A, p.Leu599= (NM_004009.3); c.1440G>A, p.Leu480= (NM_004010.3).
Identifiers: ClinVar variation 285219 (VCV000285219.24), dbSNP rs192176661, ClinGen allele CA10379729.
Genomic context (GRCh38, chrX:32,573,533, plus strand): 5'-GTGATAATATACAGTACTGGGTTTTTATAAGACCATTGAAAGCTAGAAAGTACATACGGC[C>T]AGTTTTTGAAGACTTGATAACATTTCATTTTGATCTTTAAAGCCAGTTGTGTGAATCTTG-3'
Protein context (NP_003997.2, residues 593-613): QNEMLSSLQK[Leu603=]AVLKADLEKK

ClinVar aggregate classification (germline): Benign/Likely benign. Review status: criteria provided, multiple submitters, no conflicts (2 of 4 stars). 9 submissions from 9 submitters: Benign (5); Likely benign (3). 1 of the submissions does not count toward it. Last evaluated 2026-02-02.

Conditions:
Dilated cardiomyopathy 3B (CMD3B). Also called: CMD3B: DMD-Related Dilated Cardiomyopathy; CARDIOMYOPATHY, DILATED, X-LINKED; DMD-Associated Dilated Cardiomyopathy. Identifiers: Orphanet 154, MedGen C3668940, MONDO:0010542, OMIM 302045.
Cardiovascular phenotype. Identifiers: MedGen CN230736.
Cardiomyopathy (CMYO). Also called: Cardiomyopathies. Identifiers: Orphanet 167848, MedGen C0878544, MONDO:0004994, HP:0001638. Inheritance: Various modes of inheritance.
Duchenne muscular dystrophy (DMD). Also called: MUSCULAR DYSTROPHY, PSEUDOHYPERTROPHIC PROGRESSIVE, DUCHENNE TYPE; Duchenne Muscular Dystrophy (DMD). Identifiers: Orphanet 98896, MedGen C0013264, MONDO:0010679, OMIM 310200.
Becker muscular dystrophy (BMD). Also called: MUSCULAR DYSTROPHY, PSEUDOHYPERTROPHIC PROGRESSIVE, BECKER TYPE; Becker Muscular Dystrophy (BMD). Identifiers: Orphanet 98895, MedGen C0917713, MONDO:0010311, OMIM 300376.
Dystrophin deficiency.

Allele frequency attached by ClinVar (database versions not stated): TOPMed 0.00058; ExAC 0.00065; gnomAD exomes 0.00071; 1000 Genomes Project 30x 0.00104; 1000 Genomes Project 0.00132; gnomAD 0.00020 and 0.00027.
gnomAD v4.1: 267 of 1,205,767 alleles (0.022%); highest among the groups gnomAD compares: East Asian, 0.64%; 1 homozygote.

Submissions (9):

Labcorp Genetics (formerly Invitae), Labcorp
Classification: Benign for Duchenne muscular dystrophy. Last evaluated: 2026-02-02. Review status: criteria provided, single submitter. Criteria: Invitae Variant Classification Sherloc (09022015). Collection method: clinical testing. Allele origin: germline.

Women's Health and Genetics/Laboratory Corporation of America, LabCorp
Classification: Benign. Last evaluated: 2024-11-10. Review status: criteria provided, single submitter. Criteria: LabCorp Variant Classification Summary - May 2015. Collection method: clinical testing. Allele origin: germline.

Blueprint Genetics
Classification: Likely benign. Last evaluated: 2024-10-23. Review status: criteria provided, single submitter. Criteria: ACMG Guidelines, 2015. Collection method: clinical testing. Allele origin: germline.

Ambry Genetics
Classification: Likely benign for Cardiovascular phenotype. Last evaluated: 2020-01-24. Review status: criteria provided, single submitter. Criteria: Ambry Variant Classification Scheme 2023. Collection method: clinical testing. Allele origin: germline.

Illumina Laboratory Services, Illumina
Classification: Likely benign for Dilated cardiomyopathy 3B. Last evaluated: 2018-01-13. Review status: criteria provided, single submitter. Criteria: ICSL Variant Classification Criteria 13 December 2019. Collection method: clinical testing. Allele origin: germline.
Comment: This variant was observed in the ICSL laboratory as part of a predisposition screen in an ostensibly healthy population. It had not been previously curated by ICSL or reported in the Human Gene Mutation Database (HGMD: prior to June 1st, 2018), and was therefore a candidate for classification through an automated scoring system. Utilizing variant allele frequency, disease prevalence and penetrance estimates, and inheritance mode, an automated score was calculated to assess if this variant is too frequent to cause the disease. Based on the score and internal cut-off values, a variant classified as likely benign is not then subjected to further curation. The score for this variant resulted in a classification of likely benign for this disease.

Athena Diagnostics
Classification: Benign. Last evaluated: 2017-04-17. Review status: criteria provided, single submitter. Criteria: Athena Diagnostics Criteria. Collection method: clinical testing. Allele origin: germline.

Eurofins Ntd Llc (ga)
Classification: Benign. Last evaluated: 2016-01-12. Review status: criteria provided, single submitter. Criteria: EGL Classification Definitions 2015. Collection method: clinical testing. Allele origin: germline. Observed: 1 variant allele, 1 heterozygote.

GeneDx
Classification: Benign. Last evaluated: 2015-03-03. Review status: criteria provided, single submitter. Criteria: GeneDx Variant Classification Process June 2021. Collection method: clinical testing. Allele origin: germline. Affected: yes.

Natera, Inc.
Classification: Likely benign for Becker muscular dystrophy; Cardiomyopathy; Duchenne muscular dystrophy; Dystrophin deficiency. Last evaluated: 2017-04-20. Review status: no assertion criteria provided. Collection method: clinical testing. Allele origin: germline. Not counted in ClinVar's aggregate classification.